The following is an entry in ClinVar:

NM_001009931.3(HRNR):c.2331C>T (p.Ser777=)

Genes: CCDST (cervical cancer associated DHX9 suppressive transcript; plus strand), HRNR (hornerin; minus strand). Cytogenetic location: 1q21.3.
Variant type: single nucleotide variant.
Coding change: c.2331C>T on transcript NM_001009931.3 (MANE Select); coding-DNA position 2331, C replaced by T.
Protein change: p.Ser777=; no amino-acid change (serine 777 retained).
Molecular consequence: synonymous variant.
Genome position (GRCh38, 1-based): chr1:152,219,298, G>A on the plus strand (C>T on the coding strand, the complement: HRNR is on the minus strand). VCF-style: chr1-152219298-G-A. GRCh37 (hg19) VCF-style: chr1-152191774-G-A.
Identifiers: ClinVar variation 4534703 (VCV004534703.6).
Genomic context (GRCh38, chr1:152,219,298, plus strand): 5'-GCCAGACCCGTGTTGGCCGTGGCTGGAGGAGTGCCCTGAACTGGACCCATGTCGGACACG[G>A]CTAGGAGAGTGGCCAGATCCAGACCCTTGTCGGCCGTGGCCCGAAGATTGATGGGAGCCC-3'
Protein context (NP_001009931.1, residues 767-787): RQGSGSGHSP[Ser777=]RVRHGSSSGH

ClinVar aggregate classification (germline): Likely benign (1 of 4 stars; one submission).

Submission:

CeGaT Center for Human Genetics Tuebingen
Classification: Likely benign. Last evaluated: 2025-11-01. Review status: criteria provided, single submitter. Criteria: CeGaT Center For Human Genetics Tuebingen Variant Classification Criteria Version 2. Collection method: clinical testing. Allele origin: germline. Affected: yes. Observed: 1 variant allele.
Comment: HRNR: BP4, BP7